The following is an entry in ClinVar:

ClinVar aggregate classification (germline): Benign/Likely benign. Review status: criteria provided, multiple submitters, no conflicts (2 of 4 stars). 3 submissions from 3 submitters: Benign (1); Likely benign (1). 1 of the submissions does not count toward it. Last evaluated 2025-05-08.

Conditions:
COL6A2-related disorder.
Bethlem myopathy 1A. Also called: Bethlem myopathy 1; MYOPATHY, BENIGN CONGENITAL, WITH CONTRACTURES; Bethlem Muscular Dystrophy. Identifiers: Orphanet 610, MedGen CN029274, MONDO:0024530, OMIM 158810.

Allele frequency attached by ClinVar (database versions not stated): TOPMed 0.00002; 1000 Genomes Project 30x 0.00016.
gnomAD v4.1: 19 of 1,575,714 alleles (0.0012%); highest among the groups gnomAD compares: African/African-American, 0.019%; no homozygotes.

Submissions (3):

Labcorp Genetics (formerly Invitae), Labcorp
Classification: Likely benign for Bethlem myopathy 1A. Last evaluated: 2025-05-08. Review status: criteria provided, single submitter. Criteria: Invitae Variant Classification Sherloc (09022015). Collection method: clinical testing. Allele origin: germline.

Eurofins Ntd Llc (ga)
Classification: Benign. Last evaluated: 2016-01-23. Review status: criteria provided, single submitter. Criteria: EGL Classification Definitions 2015. Collection method: clinical testing. Allele origin: germline. Observed: 1 variant allele, 1 heterozygote.

PreventionGenetics, part of Exact Sciences
Classification: Likely benign for COL6A2-related condition. Last evaluated: 2022-02-14. Review status: no assertion criteria provided. Collection method: clinical testing. Allele origin: germline. Not counted in ClinVar's aggregate classification.
Comment: This variant is classified as likely benign based on ACMG/AMP sequence variant interpretation guidelines (Richards et al. 2015 PMID: 25741868, with internal and published modifications).

NM_001849.4(COL6A2):c.2697G>C (p.Thr899=)

Gene: COL6A2 (collagen type VI alpha 2 chain; plus strand). Cytogenetic location: 21q22.3.
Variant type: single nucleotide variant.
Coding change: c.2697G>C on transcript NM_001849.4 (MANE Select); coding-DNA position 2697, G replaced by C.
Protein change: p.Thr899=; no amino-acid change (threonine 899 retained).
Molecular consequence: synonymous variant.
Genome position (GRCh38, 1-based): chr21:46,132,189, G>C. VCF-style: chr21-46132189-G-C. GRCh37 (hg19) VCF-style: chr21-47552103-G-C.
Other names: c.2697G>C (NM_001849.3).
Identifiers: ClinVar variation 285575 (VCV000285575.14), dbSNP rs11554669, ClinGen allele CA10605163.